The following is an entry in ClinVar:

ClinVar aggregate classification (germline): Likely benign (0 of 4 stars; one submission).

Conditions:
SLC7A6-related disorder. Also called: SLC7A6-related condition.

Allele frequency attached by ClinVar (database versions not stated): gnomAD exomes 0.00007; ESP Exome Variant Server 0.00015; 1000 Genomes Project 30x 0.00016; ExAC 0.00016; 1000 Genomes Project 0.00020; gnomAD 0.00029; TOPMed 0.00034.
gnomAD v4.1: 149 of 1,614,132 alleles (0.0092%); highest among the groups gnomAD compares: African/African-American, 0.12%; 1 homozygote.

Submission:

PreventionGenetics, part of Exact Sciences
Classification: Likely benign for SLC7A6-related condition. Last evaluated: 2019-06-18. Review status: no assertion criteria provided. Collection method: clinical testing. Allele origin: germline.
Comment: This variant is classified as likely benign based on ACMG/AMP sequence variant interpretation guidelines (Richards et al. 2015 PMID: 25741868, with internal and published modifications).

NM_003983.6(SLC7A6):c.936G>A (p.Thr312=)

Gene: SLC7A6 (solute carrier family 7 member 6; plus strand). Cytogenetic location: 16q22.1.
Variant type: single nucleotide variant.
Coding change: c.936G>A on transcript NM_003983.6 (MANE Select); coding-DNA position 936, G replaced by A.
Protein change: p.Thr312=; no amino-acid change (threonine 312 retained).
Molecular consequence: synonymous variant.
Genome position (GRCh38, 1-based): chr16:68,291,575, G>A. VCF-style: chr16-68291575-G-A. GRCh37 (hg19) VCF-style: chr16-68325478-G-A.
Other names: c.936G>A, p.Thr312= (NM_001076785.3).
Identifiers: ClinVar variation 3034380 (VCV003034380.2), dbSNP rs143127763, ClinGen allele CA8126382.